The following is an entry in ClinVar:

NM_017433.5(MYO3A):c.1279A>G (p.Ile427Val)

Gene: MYO3A (myosin IIIA; plus strand). Cytogenetic location: 10p12.1.
Variant type: single nucleotide variant.
Coding change: c.1279A>G on transcript NM_017433.5 (MANE Select); coding-DNA position 1279, A replaced by G.
Protein change: p.Ile427Val; replaces isoleucine 427 with valine.
Molecular consequence: missense variant.
Genome position (GRCh38, 1-based): chr10:26,070,321, A>G. VCF-style: chr10-26070321-A-G. GRCh37 (hg19) VCF-style: chr10-26359250-A-G.
Other names: short protein forms I427V.
Identifiers: ClinVar variation 593109 (VCV000593109.9), dbSNP rs745680182, ClinGen allele CA5444629.

ClinVar aggregate classification (germline): Uncertain significance. Review status: criteria provided, multiple submitters, no conflicts (2 of 4 stars). 3 submissions from 3 submitters: Uncertain significance (3). Last evaluated 2025-09-24.

gnomAD v4.1: 10 of 1,613,092 alleles (0.00062%); highest among the groups gnomAD compares: Middle Eastern, 0.033%; no homozygotes.

Submissions (3):

GeneDx
Classification: Uncertain significance. Last evaluated: 2025-09-24. Review status: criteria provided, single submitter. Criteria: GeneDx Variant Classification Process June 2021. Collection method: clinical testing. Allele origin: germline. Affected: yes.
Comment: Not observed at significant frequency in large population cohorts (gnomAD); In silico analysis suggests that this missense variant does not alter protein structure/function; Has not been previously published as pathogenic or benign to our knowledge

Blueprint Genetics
Classification: Uncertain significance. Last evaluated: 2024-05-06. Review status: criteria provided, single submitter. Criteria: ACMG Guidelines, 2015. Collection method: clinical testing. Allele origin: germline.

Eurofins Ntd Llc (ga)
Classification: Uncertain significance. Last evaluated: 2017-07-25. Review status: criteria provided, single submitter. Criteria: EGL Classification Definitions 2015. Collection method: clinical testing. Allele origin: germline. Observed: 1 variant allele, 1 heterozygote.